The following is an entry in ClinVar:

NM_000036.3(AMPD1):c.922G>A (p.Ala308Thr)

Gene: AMPD1 (adenosine monophosphate deaminase 1; minus strand). Cytogenetic location: 1p13.2.
Variant type: single nucleotide variant.
Coding change: c.922G>A on transcript NM_000036.3 (MANE Select); coding-DNA position 922, G replaced by A.
Protein change: p.Ala308Thr; replaces alanine 308 with threonine.
Molecular consequence: missense variant.
Genome position (GRCh38, 1-based): chr1:114,678,503, C>T on the plus strand (G>A on the coding strand, the complement: AMPD1 is on the minus strand). VCF-style: chr1-114678503-C-T. GRCh37 (hg19) VCF-style: chr1-115221124-C-T.
Other names: c.1021G>A (NM_000036.2); c.910G>A, p.Ala304Thr (NM_001172626.2); short protein forms A304T, A308T.
Identifiers: ClinVar variation 2906943 (VCV002906943.2), dbSNP rs773353828, ClinGen allele CA1020258.

ClinVar aggregate classification (germline): Uncertain significance. Review status: criteria provided, multiple submitters, no conflicts (2 of 4 stars). 2 submissions from 2 submitters: Uncertain significance (2). Last evaluated 2025-05-29.

Conditions:
Muscle AMP deaminase deficiency (MMDD). Also called: AMPD1 DEFICIENCY; ADENOSINE MONOPHOSPHATE DEAMINASE-1 DEFICIENCY, MYOPATHY DUE TO; Myoadenylate deaminase deficiency, myopathy due to; Adenosine monophosphate deaminase 1 deficiency; AMP deaminase 1 deficiency; Adenosine Monophosphate Deaminase 1. Identifiers: Orphanet 45, MedGen C3714933, MONDO:0014220, OMIM 615511.
Inborn genetic diseases. Identifiers: MedGen C0950123, MeSH D030342.

Allele frequency attached by ClinVar (database versions not stated): ExAC 0.00002; gnomAD exomes 0.00002; gnomAD 0.00003.
gnomAD v4.1: 27 of 1,613,888 alleles (0.0017%); highest among the groups gnomAD compares: Admixed American, 0.01%; no homozygotes.

Submissions (2):

Ambry Genetics
Classification: Uncertain significance for Inborn genetic diseases. Last evaluated: 2025-05-29. Review status: criteria provided, single submitter. Criteria: Ambry Variant Classification Scheme 2023. Collection method: clinical testing. Allele origin: germline.

Labcorp Genetics (formerly Invitae), Labcorp
Classification: Uncertain significance for Muscle AMP deaminase deficiency. Last evaluated: 2023-09-03. Review status: criteria provided, single submitter. Criteria: Invitae Variant Classification Sherloc (09022015). Collection method: clinical testing. Allele origin: germline.
Comment: This sequence change replaces alanine, which is neutral and non-polar, with threonine, which is neutral and polar, at codon 341 of the AMPD1 protein (p.Ala341Thr). An algorithm developed to predict the effect of missense changes on protein structure and function (PolyPhen-2) suggests that this variant is likely to be disruptive. In summary, the available evidence is currently insufficient to determine the role of this variant in disease. Therefore, it has been classified as a Variant of Uncertain Significance. This variant has not been reported in the literature in individuals affected with AMPD1-related conditions. This variant is present in population databases (rs773353828, gnomAD 0.02%).